The following is an entry in ClinVar:

ClinVar aggregate classification (germline): Conflicting classifications of pathogenicity. Review status: criteria provided, conflicting classifications (1 of 4 stars). 2 submissions from 2 submitters: Uncertain significance (1); Likely benign (1). Last evaluated 2026-02-05.

Conditions:
Hereditary cancer-predisposing syndrome. Also called: Hereditary Cancer Syndrome; Tumor predisposition; Neoplastic Syndromes, Hereditary; Hereditary neoplastic syndrome. Identifiers: Orphanet 140162, MedGen C0027672, MeSH D009386, MONDO:0015356.

Submissions (2):

Ambry Genetics
Classification: Uncertain significance for Hereditary cancer-predisposing syndrome. Last evaluated: 2026-02-05. Review status: criteria provided, single submitter. Criteria: Ambry Variant Classification Scheme 2023. Collection method: clinical testing. Allele origin: germline.
Comment: The c.602-5C>A intronic variant results from a C to A substitution 5 nucleotides upstream from coding exon 2 in the HOXB13 gene. This nucleotide position is not well conserved in available vertebrate species. In silico splice site analysis predicts that this alteration will not have any significant effect on splicing. Based on the available evidence, the clinical significance of this variant remains unclear.

Labcorp Genetics (formerly Invitae), Labcorp
Classification: Likely benign. Last evaluated: 2022-04-10. Review status: criteria provided, single submitter. Criteria: Invitae Variant Classification Sherloc (09022015). Collection method: clinical testing. Allele origin: germline.

NM_006361.6(HOXB13):c.602-5C>A

Gene: HOXB13 (homeobox B13; minus strand). Cytogenetic location: 17q21.32.
Variant type: single nucleotide variant.
Coding change: c.602-5C>A on transcript NM_006361.6 (MANE Select); 5 bases into the intron before coding-DNA position 602, C replaced by A.
Molecular consequence: intron variant.
Genome position (GRCh38, 1-based): chr17:48,727,048, G>T on the plus strand (C>A on the coding strand, the complement: HOXB13 is on the minus strand). VCF-style: chr17-48727048-G-T. GRCh37 (hg19) VCF-style: chr17-46804410-G-T.
Identifiers: ClinVar variation 826142 (VCV000826142.10), dbSNP rs753501228, ClinGen allele CA915950299.
Genomic context (GRCh38, chr17:48,727,048, plus strand): 5'-TTTCTTGCGGCCGCGACGAAAGGCGCAGGCGTCAGGAGGGTGCTGCCCGCTGGAGTCTGC[G>T]CGGCGTGAAAGGGAGGGAGGAAAAGGCATGGTCAGATACCCACCCATGCAGACCCAGGCC-3'